The following is an entry in ClinVar:

NM_000138.5(FBN1):c.8303T>C (p.Ile2768Thr)

Gene: FBN1 (fibrillin 1; minus strand). Cytogenetic location: 15q21.1.
Variant type: single nucleotide variant.
Coding change: c.8303T>C on transcript NM_000138.5 (MANE Select); coding-DNA position 8303, T replaced by C.
Protein change: p.Ile2768Thr; replaces isoleucine 2768 with threonine.
Molecular consequence: missense variant.
Genome position (GRCh38, 1-based): chr15:48,411,303, A>G on the plus strand (T>C on the coding strand, the complement: FBN1 is on the minus strand). VCF-style: chr15-48411303-A-G. GRCh37 (hg19) VCF-style: chr15-48703500-A-G.
Other names: c.8303T>C, p.Ile2768Thr (NM_001406716.1); short protein forms I2768T.
Identifiers: ClinVar variation 3069744 (VCV003069744.1), dbSNP rs2505371571, ClinGen allele CA392319760.

ClinVar aggregate classification (germline): Uncertain significance (1 of 4 stars; one submission).

Conditions:
Marfan syndrome (MFS). Also called: MARFAN SYNDROME, TYPE I; Marfan syndrome type 1; Marfan's syndrome; Marfan syndrome, classic; FBN1-Related Marfan Syndrome. Identifiers: Orphanet 284963, Orphanet 558, MedGen C0024796, MONDO:0007947, OMIM 154700.

Submission:

All of Us Research Program, National Institutes of Health
Classification: Uncertain significance for Marfan syndrome. Last evaluated: 2023-03-04. Review status: criteria provided, single submitter. Criteria: ACMG Guidelines, 2015. Collection method: clinical testing. Allele origin: germline. Inheritance: Autosomal dominant inheritance. Observed: 1 variant allele, 1 heterozygote.
Comment: This study involves interpretation of variants in research participants for the purpose of population health screening. Participant phenotype was not available at the time of variant classification. Additional details can be found in publication PMID: 35346344, PMCID: PMC8962531